The following is an entry in ClinVar:

ClinVar aggregate classification (germline): Conflicting classifications of pathogenicity. Review status: criteria provided, conflicting classifications (1 of 4 stars). 2 submissions from 2 submitters: Uncertain significance (1); Likely benign (1). Last evaluated 2024-12-05.

gnomAD v4.1: 63 of 1,614,134 alleles (0.0039%); highest among the groups gnomAD compares: African/African-American, 0.069%; no homozygotes.

Submissions (2):

Ambry Genetics
Classification: Likely benign. Last evaluated: 2024-12-05. Review status: criteria provided, single submitter. Criteria: Ambry Variant Classification Scheme 2023. Collection method: clinical testing. Allele origin: germline.

GeneDx
Classification: Uncertain significance. Last evaluated: 2023-06-12. Review status: criteria provided, single submitter. Criteria: GeneDx Variant Classification Process June 2021. Collection method: clinical testing. Allele origin: germline. Affected: yes.
Comment: In silico analysis supports that this missense variant does not alter protein structure/function; Has not been previously published as pathogenic or benign to our knowledge

NM_001353694.2(TIAM1):c.4591A>G (p.Thr1531Ala)

Gene: TIAM1 (TIAM Rac1 associated GEF 1; minus strand). Cytogenetic location: 21q22.11.
Variant type: single nucleotide variant.
Coding change: c.4591A>G on transcript NM_001353694.2 (MANE Select); coding-DNA position 4591, A replaced by G.
Protein change: p.Thr1531Ala; replaces threonine 1531 with alanine.
Molecular consequence: missense variant.
Genome position (GRCh38, 1-based): chr21:31,120,553, T>C on the plus strand (A>G on the coding strand, the complement: TIAM1 is on the minus strand). VCF-style: chr21-31120553-T-C. GRCh37 (hg19) VCF-style: chr21-32492871-T-C.
Other names: c.1690A>G, p.Thr564Ala (NM_001353684.2); c.1615A>G, p.Thr539Ala (NM_001353685.2); c.4516A>G, p.Thr1506Ala (NM_001353686.2, NM_001353687.2); c.4591A>G, p.Thr1531Ala (NM_001353688.1, NM_001353689.1, NM_001353690.1 and 4 more transcripts); short protein forms T1506A, T1531A, T539A, T564A.
Identifiers: ClinVar variation 3359796 (VCV003359796.2).